The following is an entry in ClinVar:

ClinVar aggregate classification (germline): Pathogenic/Likely pathogenic. Review status: criteria provided, multiple submitters, no conflicts (2 of 4 stars). 6 submissions from 6 submitters: Pathogenic (3); Likely pathogenic (3). Last evaluated 2026-06-30.

Conditions:
3-methylglutaconic aciduria with deafness, encephalopathy, and Leigh-like syndrome (MEGDEL). Also called: MEGDEL syndrome; 3-METHYLGLUTACONIC ACIDURIA, TYPE VI; SERAC1 Deficiency. Identifiers: Orphanet 352328, MedGen C4040739, MONDO:0013875, OMIM 614739.
SERAC1-related disorder. Also called: SERAC1-related disorders; SERAC1-related condition.

Allele frequency attached by ClinVar (database versions not stated): gnomAD 0.00003 and 0.00004; ExAC 0.00005; 1000 Genomes Project 30x 0.00016; 1000 Genomes Project 0.00020; gnomAD exomes 0.00002; TOPMed 0.00002.
gnomAD v4.1: 96 of 1,613,716 alleles (0.0059%); highest among the groups gnomAD compares: Non-Finnish European, 0.008%; no homozygotes.

Submissions (6):

PreventionGenetics, part of Exact Sciences
Classification: Likely pathogenic for SERAC1-related condition. Last evaluated: 2026-06-30. Review status: criteria provided, single submitter. Criteria: ACMG Guidelines, 2015. Collection method: clinical testing. Allele origin: germline.
Comment: The SERAC1 c.1493G>C variant is predicted to result in the amino acid substitution p.Ser498Thr. This variant has been reported, in the homozygous state or with a second possible causative variant in the same gene, in multiple individuals with 3-methylglutaconic aciduria with deafness, encephalopathy, and Leigh-like (MEGDEL) syndrome (Wortmann et al. 2012. PubMed ID: 22683713; Maas et al. 2017. PubMed ID: 29205472; Horvath et al. 2021. PubMed ID: 34540505). This variant is reported in 0.0053% of alleles in individuals of European (non-Finnish) descent in gnomAD. This variant is interpreted as likely pathogenic.

Labcorp Genetics (formerly Invitae), Labcorp
Classification: Pathogenic for 3-methylglutaconic aciduria with deafness, encephalopathy, and Leigh-like syndrome. Last evaluated: 2025-10-22. Review status: criteria provided, single submitter. Criteria: Invitae Variant Classification Sherloc (09022015). Collection method: clinical testing. Allele origin: germline.
Comment: This sequence change replaces serine, which is neutral and polar, with threonine, which is neutral and polar, at codon 498 of the SERAC1 protein (p.Ser498Thr). This variant is present in population databases (rs201941476, gnomAD 0.005%). This missense change has been observed in individuals with 3-methylglutaconic aciduria (PMID: 22683713, 29205472, 32313153; internal data). ClinVar contains an entry for this variant (Variation ID: 653652). Invitae Evidence Modeling of protein sequence and biophysical properties (such as structural, functional, and spatial information, amino acid conservation, physicochemical variation, residue mobility, and thermodynamic stability) indicates that this missense variant is expected to disrupt SERAC1 protein function with a positive predictive value of 80%. For these reasons, this variant has been classified as Pathogenic.

GeneDx
Classification: Likely pathogenic. Last evaluated: 2024-07-05. Review status: criteria provided, single submitter. Criteria: GeneDx Variant Classification Process June 2021. Collection method: clinical testing. Allele origin: germline. Affected: yes.
Comment: Not observed at significant frequency in large population cohorts (gnomAD); In silico analysis supports that this missense variant has a deleterious effect on protein structure/function; This variant is associated with the following publications: (PMID: 32313153, 32827528, 22683713, 34540505, 29205472)

Molecular Diagnostics Laboratory, M Health Fairview: University of Minnesota
Classification: Pathogenic for 3-methylglutaconic aciduria with deafness, encephalopathy, and Leigh-like syndrome. Last evaluated: 2021-05-20. Review status: criteria provided, single submitter. Criteria: ACMG Guidelines, 2015. Collection method: clinical testing. Allele origin: germline. Affected: yes.

Kids Research, The Children's Hospital at Westmead
Classification: Pathogenic for 3-methylglutaconic aciduria with deafness, encephalopathy, and Leigh-like syndrome. Review status: criteria provided, single submitter. Criteria: ACMG Guidelines, 2015. Collection method: research. Allele origin: inherited. Inheritance: Autosomal recessive inheritance. Affected: yes.

Rady Children's Institute for Genomic Medicine, Rady Children's Hospital San Diego
Classification: Likely pathogenic for SERAC1-Related Disorders. Review status: criteria provided, single submitter. Criteria: ACMG Guidelines, 2015. Collection method: clinical testing. Allele origin: germline. Affected: yes.
Comment: This variant has been previously reported as a compound heterozygous change or together with another SERAC1 variant, phase unknown, in patients with 3-methylglutaconic aciduria (PMID: 29205472, 22683713, 32313153). The c.1493G>C (p.Ser498Thr) variant is present in the heterozygous state in the gnomAD population database at a frequency of 0.002% (6/251074), and is absent in the homozygous state, thus is presumed to be rare. The c.1493G>C (p.Ser498Thr) variant affects a highly conserved amino acid and is predicted by multiple in silico tools to have a deleterious effect on protein function. Based on the available evidence, the c.1493G>C (p.Ser498Thr) variant is classified as Likely Pathogenic.

Literature cited by the submitters: PubMed 22683713 (cited by Labcorp Genetics (formerly Invitae), Labcorp); PubMed 29205472 (cited by Labcorp Genetics (formerly Invitae), Labcorp); PubMed 32313153 (cited by Labcorp Genetics (formerly Invitae), Labcorp and Kids Research, The Children's Hospital at Westmead).

NM_032861.4(SERAC1):c.1493G>C (p.Ser498Thr)

Gene: SERAC1 (serine active site containing 1; minus strand). Cytogenetic location: 6q25.3.
Variant type: single nucleotide variant.
Coding change: c.1493G>C on transcript NM_032861.4 (MANE Select); coding-DNA position 1493, G replaced by C.
Protein change: p.Ser498Thr; replaces serine 498 with threonine.
Molecular consequence: missense variant. On other transcripts: non-coding transcript variant (1).
Genome position (GRCh38, 1-based): chr6:158,116,193, C>G on the plus strand (G>C on the coding strand, the complement: SERAC1 is on the minus strand). VCF-style: chr6-158116193-C-G. GRCh37 (hg19) VCF-style: chr6-158537225-C-G.
Other names: short protein forms S498T.
Identifiers: ClinVar variation 653652 (VCV000653652.11), dbSNP rs201941476, ClinGen allele CA4071061.